The following is an entry in ClinVar:

NM_000051.4(ATM):c.-31+508T>A

Gene: ATM (ATM serine/threonine kinase; plus strand). Cytogenetic location: 11q22.3.
Variant type: single nucleotide variant.
Coding change: c.-31+508T>A on transcript NM_000051.4 (MANE Select); 508 bases into the intron after 31 bases upstream of the start codon, T replaced by A.
Molecular consequence: intron variant.
Genome position (GRCh38, 1-based): chr11:108,223,694, T>A. VCF-style: chr11-108223694-T-A. GRCh37 (hg19) VCF-style: chr11-108094421-T-A.
Other names: c.-119+508T>A (NM_001351834.2); c.-31+508T>A (NM_001351835.2); c.-31+8T>A (NM_001351836.2).
Identifiers: ClinVar variation 4851930 (VCV004851930.1).

ClinVar aggregate classification (germline): Likely benign (1 of 4 stars; one submission).

Conditions:
ATM-related cancer predisposition. Also called: ATM-related cancer susceptibility. Identifiers: MedGen CN377759, MONDO:0700270.

Submission:

Dasa
Classification: Likely benign for ATM-related cancer predisposition. Last evaluated: 2025-12-04. Review status: criteria provided, single submitter. Criteria: DASA Assertion Criteria. Collection method: clinical testing. Allele origin: germline.
Comment: NM_001351836.2(ATM):c.-31+8T>A is a splice-region variant predicted to affect normal RNA splicing. Multiple computational predictions suggest no deleterious effect on the gene or gene product. The variant is present at low frequency in population datasets. Based on the available data, this variant is classified as likely benign.